The following is an entry in ClinVar:

NM_001360016.2(G6PD):c.771-8G>A

Gene: G6PD (glucose-6-phosphate dehydrogenase; minus strand). Cytogenetic location: Xq28.
Variant type: single nucleotide variant.
Coding change: c.771-8G>A on transcript NM_001360016.2 (MANE Select); 8 bases into the intron before coding-DNA position 771, G replaced by A.
Molecular consequence: intron variant.
Genome position (GRCh38, 1-based): chrX:154,533,677, C>T on the plus strand (G>A on the coding strand, the complement: G6PD is on the minus strand). VCF-style: chrX-154533677-C-T. GRCh37 (hg19) VCF-style: chrX-153761892-C-T.
Other names: p.?; c.861-8G>A (NM_000402.4); c.771-8G>A (NM_001042351.3).
Identifiers: ClinVar variation 1107310 (VCV001107310.18), dbSNP rs368790003, ClinGen allele CA10566146.
Genomic context (GRCh38, chrX:154,533,677, plus strand): 5'-TCTCCATGGCCACCAGACACAGCATCTGCAGTAGGTGGTTCTGCATCACGTCCCTGGGGA[C>T]GGAAGAGGCCAGAGCTCGCCTTAGCTCCCCGCCCTGTTCACCTGGTTCAAGGGCATGGGG-3'

ClinVar aggregate classification (germline): Likely benign. Review status: criteria provided, multiple submitters, no conflicts (2 of 4 stars). 4 submissions from 4 submitters: Likely benign (4). Last evaluated 2025-12-03.

Conditions:
Anemia, nonspherocytic hemolytic, due to G6PD deficiency (CNSHA1). Also called: ANEMIA, CONGENITAL, NONSPHEROCYTIC HEMOLYTIC, 1; Class I glucose-6-phosphate dehydrogenase deficiency; Favism, susceptibility to; Hemolytic anemia due to G6PD deficiency. Identifiers: Orphanet 466026, MedGen C2720289, MONDO:0010480, OMIM 300908.

Allele frequency attached by ClinVar (database versions not stated): TOPMed 0.00003; gnomAD 0.00004 and 0.00005; ExAC 0.00005; gnomAD exomes 0.00005 and 0.00014; ESP Exome Variant Server 0.00009; 1000 Genomes Project 0.00026; 1000 Genomes Project 30x 0.00042.
gnomAD v4.1: 160 of 1,210,369 alleles (0.013%); highest among the groups gnomAD compares: Middle Eastern, 0.023%; no homozygotes.

Submissions (4):

Labcorp Genetics (formerly Invitae), Labcorp
Classification: Likely benign for Anemia, nonspherocytic hemolytic, due to G6PD deficiency. Last evaluated: 2025-12-03. Review status: criteria provided, single submitter. Criteria: Invitae Variant Classification Sherloc (09022015). Collection method: clinical testing. Allele origin: germline.

Mayo Clinic Laboratories, Mayo Clinic
Classification: Likely benign. Last evaluated: 2025-03-17. Review status: criteria provided, single submitter. Criteria: ACMG Guidelines, 2015. Collection method: clinical testing. Allele origin: germline. Observed: 3 variant alleles.
Comment: BP4, BP7, PM2_moderate

Blueprint Genetics
Classification: Likely benign. Last evaluated: 2024-08-29. Review status: criteria provided, single submitter. Criteria: ACMG Guidelines, 2015. Collection method: clinical testing. Allele origin: germline.

ARUP Laboratories, Molecular Genetics and Genomics, ARUP Laboratories
Classification: Likely benign. Last evaluated: 2021-04-07. Review status: criteria provided, single submitter. Criteria: ARUP Molecular Germline Variant Investigation Process 2021. Collection method: clinical testing. Allele origin: germline.